The following is an entry in ClinVar:

NM_004304.5(ALK):c.769T>A (p.Ser257Thr)

Gene: ALK (ALK receptor tyrosine kinase; minus strand). Cytogenetic location: 2p23.2.
Variant type: single nucleotide variant.
Coding change: c.769T>A on transcript NM_004304.5 (MANE Select); coding-DNA position 769, T replaced by A.
Protein change: p.Ser257Thr; replaces serine 257 with threonine.
Molecular consequence: missense variant.
Genome position (GRCh38, 1-based): chr2:29,717,596, A>T on the plus strand (T>A on the coding strand, the complement: ALK is on the minus strand). VCF-style: chr2-29717596-A-T. GRCh37 (hg19) VCF-style: chr2-29940462-A-T.
Other names: short protein forms S257T.
Identifiers: ClinVar variation 2561053 (VCV002561053.2), dbSNP rs2465432493, ClinGen allele CA346587641.

ClinVar aggregate classification (germline): Uncertain significance (1 of 4 stars; one submission).

Conditions:
Hereditary cancer-predisposing syndrome. Also called: Neoplastic Syndromes, Hereditary; Hereditary Cancer Syndrome; Hereditary neoplastic syndrome; Tumor predisposition. Identifiers: Orphanet 140162, MedGen C0027672, MeSH D009386, MONDO:0015356.

Submission:

Ambry Genetics
Classification: Uncertain significance for Hereditary cancer-predisposing syndrome. Last evaluated: 2023-05-14. Review status: criteria provided, single submitter. Criteria: Ambry Variant Classification Scheme 2023. Collection method: clinical testing. Allele origin: germline.
Comment: The p.S257T variant (also known as c.769T>A), located in coding exon 2 of the ALK gene, results from a T to A substitution at nucleotide position 769. The serine at codon 257 is replaced by threonine, an amino acid with similar properties. This amino acid position is conserved. In addition, this alteration is predicted to be tolerated by in silico analysis. Since supporting evidence is limited at this time, the clinical significance of this alteration remains unclear.